The following is an entry in ClinVar:

ClinVar aggregate classification (germline): Likely pathogenic (1 of 4 stars; one submission).

Submission:

Labcorp Genetics (formerly Invitae), Labcorp
Classification: Likely pathogenic. Last evaluated: 2023-01-26. Review status: criteria provided, single submitter. Criteria: Invitae Variant Classification Sherloc (09022015). Collection method: clinical testing. Allele origin: germline.
Comment: This sequence change affects an acceptor splice site in intron 7 of the AP3B2 gene. It is expected to disrupt RNA splicing. Variants that disrupt the donor or acceptor splice site typically lead to a loss of protein function (PMID: 16199547), and loss-of-function variants in AP3B2 are known to be pathogenic (PMID: 27889060). This variant is not present in population databases (gnomAD no frequency). This variant has not been reported in the literature in individuals affected with AP3B2-related conditions. Algorithms developed to predict the effect of sequence changes on RNA splicing suggest that this variant may disrupt the consensus splice site. In summary, the currently available evidence indicates that the variant is pathogenic, but additional data are needed to prove that conclusively. Therefore, this variant has been classified as Likely Pathogenic.

Literature cited by the submitters: PubMed 16199547; PubMed 27889060.

NM_001278512.2(AP3B2):c.772-1G>A

Genes: AP3B2 (adaptor related protein complex 3 subunit beta 2; minus strand), CPEB1-AS1 (CPEB1 antisense RNA 1; plus strand). Cytogenetic location: 15q25.2.
Variant type: single nucleotide variant.
Coding change: c.772-1G>A on transcript NM_001278512.2 (MANE Select); the canonical splice acceptor site of the intron before coding-DNA position 772, G replaced by A.
Molecular consequence: splice acceptor variant.
Genome position (GRCh38, 1-based): chr15:82,680,756, C>T on the plus strand (G>A on the coding strand, the complement: AP3B2 is on the minus strand). VCF-style: chr15-82680756-C-T. GRCh37 (hg19) VCF-style: chr15-83349508-C-T.
Other names: c.676-1G>A (NM_001278511.2); c.772-1G>A (NM_004644.5).
Identifiers: ClinVar variation 2802399 (VCV002802399.3), dbSNP rs2048324730, ClinGen allele CA393295629.